The following is an entry in ClinVar:

NM_001364905.1(LRBA):c.6049A>C (p.Thr2017Pro)

Gene: LRBA (LPS responsive beige-like anchor protein; minus strand). Cytogenetic location: 4q31.3.
Variant type: single nucleotide variant.
Coding change: c.6049A>C on transcript NM_001364905.1 (MANE Select); coding-DNA position 6049, A replaced by C.
Protein change: p.Thr2017Pro; replaces threonine 2017 with proline.
Molecular consequence: missense variant.
Genome position (GRCh38, 1-based): chr4:150,590,857, T>G on the plus strand (A>C on the coding strand, the complement: LRBA is on the minus strand). VCF-style: chr4-150590857-T-G. GRCh37 (hg19) VCF-style: chr4-151512009-T-G.
Other names: c.6049A>C, p.Thr2017Pro (NM_001199282.3, NM_001367550.1); c.6082A>C, p.Thr2028Pro (NM_006726.5); short protein forms T2017P, T2028P.
Identifiers: ClinVar variation 580329 (VCV000580329.12), dbSNP rs371434395, ClinGen allele CA3102221.

ClinVar aggregate classification (germline): Uncertain significance. Review status: criteria provided, multiple submitters, no conflicts (2 of 4 stars). 3 submissions from 3 submitters: Uncertain significance (3). Last evaluated 2025-04-07.

Conditions:
Inborn genetic diseases. Identifiers: MedGen C0950123, MeSH D030342.
Combined immunodeficiency due to LRBA deficiency. Also called: Common variable immunodeficiency 8, with autoimmunity. Identifiers: Orphanet 445018, MedGen C3553512, MONDO:0013863, OMIM 614700.

Allele frequency attached by ClinVar (database versions not stated): ExAC 0.00001; gnomAD exomes 0.00001; TOPMed 0.00001.
gnomAD v4.1: 14 of 1,613,628 alleles (0.00087%); highest among the groups gnomAD compares: East Asian, 0.0045%; no homozygotes.

Submissions (3):

Labcorp Genetics (formerly Invitae), Labcorp
Classification: Uncertain significance for Combined immunodeficiency due to LRBA deficiency. Last evaluated: 2025-04-07. Review status: criteria provided, single submitter. Criteria: Invitae Variant Classification Sherloc (09022015). Collection method: clinical testing. Allele origin: germline.
Comment: This sequence change replaces threonine, which is neutral and polar, with proline, which is neutral and non-polar, at codon 2028 of the LRBA protein (p.Thr2028Pro). This variant is present in population databases (rs371434395, gnomAD 0.01%). This variant has not been reported in the literature in individuals affected with LRBA-related conditions. ClinVar contains an entry for this variant (Variation ID: 580329). An algorithm developed to predict the effect of missense changes on protein structure and function (PolyPhen-2) suggests that this variant is likely to be tolerated. In summary, the available evidence is currently insufficient to determine the role of this variant in disease. Therefore, it has been classified as a Variant of Uncertain Significance.

Ambry Genetics
Classification: Uncertain significance for Inborn genetic diseases. Last evaluated: 2024-02-28. Review status: criteria provided, single submitter. Criteria: Ambry Variant Classification Scheme 2023. Collection method: clinical testing. Allele origin: germline.

Mayo Clinic Laboratories, Mayo Clinic
Classification: Uncertain significance. Last evaluated: 2019-05-26. Review status: criteria provided, single submitter. Criteria: ACMG Guidelines, 2015. Collection method: clinical testing. Allele origin: germline. Observed: 1 variant allele.